The following is an entry in ClinVar:

NM_000407.5(GP1BB):c.266A>C (p.Asn89Thr)

Genes: GP1BB (glycoprotein Ib platelet subunit beta; plus strand), SEPT5-GP1BB (SEPT5-GP1BB readthrough; plus strand). Cytogenetic location: 22q11.21.
Variant type: single nucleotide variant.
Coding change: c.266A>C on transcript NM_000407.5 (MANE Select); coding-DNA position 266, A replaced by C.
Protein change: p.Asn89Thr; replaces asparagine 89 with threonine.
Molecular consequence: missense variant. On other transcripts: non-coding transcript variant (2).
Genome position (GRCh38, 1-based): chr22:19,724,109, A>C. VCF-style: chr22-19724109-A-C. GRCh37 (hg19) VCF-style: chr22-19711632-A-C.
Other names: NM_000407.5:c.266A>C; short protein forms N89T.
Identifiers: ClinVar variation 4849248 (VCV004849248.1).

ClinVar aggregate classification (germline): Likely pathogenic (3 of 4 stars; one submission).

Conditions:
Bernard Soulier syndrome (BSS). Also called: BLEEDING DISORDER, PLATELET-TYPE, 1; PLATELET GLYCOPROTEIN Ib DEFICIENCY; VON WILLEBRAND FACTOR RECEPTOR DEFICIENCY; Platelet Glycoprotein 1b, Deficiency of; Giant platelet syndrome; Hemorrhagiparous thrombocytic dystrophy. Identifiers: Orphanet 274, MedGen C0005129, MeSH D001606, MONDO:0009276, OMIM 231200.

Submission:

ClinGen Platelet Disorders Variant Curation Expert Panel, ClinGen
Classification: Likely pathogenic for Bernard Soulier syndrome. Last evaluated: 2026-04-02. Review status: reviewed by expert panel. Criteria: ClinGen Platelet ACMG Specifications GP1BB V1.0.0. Collection method: curation. Allele origin: germline. Inheritance: Autosomal recessive inheritance.
Comment: The c.266A>C variant in GP1BB is a missense variant predicted to cause substitution of Asparagine by Threonine at amino acid 89 (p.Asn89Thr). At least one patient (Patient S.B. in PMID: 12693941) with this variant had less than 10% expression of GP9 measured by flow cytometry, which is highly specific for Bernard-Soulier syndrome. Additionally, the patient had excessive mucocutaneous bleeding and macrothrombocytopenia which are consistent with Bernard-Soulier syndrome (PP4). Surface expression of the GPIb-IX complex measured by flow cytometry in CHO cells transiently co-transfected with the Asn89Thr variant GP1b and wild type GP1a and GP9 showed undetectable expression, indicating that this variant impacts protein function (PMID: 12693941)(PS3_supporting). Another missense variant NM_000407.5(GP1BB):c.265A>G (p.Asn89Asp) in the same codon has been classified as Likely Pathogenic for Bernard-Soulier syndrome by the ClinGen PD VCEP (PM5_supporting). The computational predictor REVEL gives a score of 0.926, which is above the ClinGen PD VCEP threshold of >0.773 and predicts a damaging effect on GP1BB function (PP3_Moderate). The highest MAF in gnomAD v4.1.0 is 0.0000009068 (based on 1/1102800 alleles) in the European (non-Finnish) population, which is lower than the ClinGen PD VCEP threshold (<0.00006517; PM2_Supporting). In summary, this variant meets the criteria to be classified as Likely Pathogenic for autosomal recessive Bernard-Soulier syndrome based on the ACMG/AMP criteria applied, as specified by the ClinGen PD VCEP: PP4, PP3_Moderate, PM2_Supporting, PM3_Supporting, PM5_supporting and PS3_Supporting (VCEP specifications version 1.1).